The following is an entry in ClinVar:

NM_006421.5(ARFGEF1):c.5210T>A (p.Met1737Lys)

Gene: ARFGEF1 (ARF guanine nucleotide exchange factor 1; minus strand). Cytogenetic location: 8q13.2.
Variant type: single nucleotide variant.
Coding change: c.5210T>A on transcript NM_006421.5 (MANE Select); coding-DNA position 5210, T replaced by A.
Protein change: p.Met1737Lys; replaces methionine 1737 with lysine.
Molecular consequence: missense variant. On other transcripts: non-coding transcript variant (1).
Genome position (GRCh38, 1-based): chr8:67,201,524, A>T on the plus strand (T>A on the coding strand, the complement: ARFGEF1 is on the minus strand). VCF-style: chr8-67201524-A-T. GRCh37 (hg19) VCF-style: chr8-68113759-A-T.
Other names: c.5210T>A, p.Met1737Lys (NM_001413184.1, NM_001413187.1, NM_001413194.1); c.5192T>A, p.Met1731Lys (NM_001413185.1, NM_001413186.1, NM_001413189.1); c.4610T>A, p.Met1537Lys (NM_001413188.1, NM_001413197.1); c.5204T>A, p.Met1735Lys (NM_001413190.1); c.5114T>A, p.Met1705Lys (NM_001413191.1); c.5096T>A, p.Met1699Lys (NM_001413192.1); c.4592T>A, p.Met1531Lys (NM_001413193.1); c.3785T>A, p.Met1262Lys (NM_001413196.1); short protein forms M1262K, M1531K, M1537K, M1699K, M1705K, M1731K, M1735K, M1737K.
Identifiers: ClinVar variation 3372179 (VCV003372179.1).

ClinVar aggregate classification (germline): Uncertain significance (1 of 4 stars; one submission).

Submission:

GeneDx
Classification: Uncertain significance. Last evaluated: 2024-04-12. Review status: criteria provided, single submitter. Criteria: GeneDx Variant Classification Process June 2021. Collection method: clinical testing. Allele origin: germline. Affected: yes.
Comment: Not observed at significant frequency in large population cohorts (gnomAD); In silico analysis supports that this missense variant has a deleterious effect on protein structure/function; Has not been previously published as pathogenic or benign to our knowledge